The following is an entry in ClinVar:

ClinVar aggregate classification (germline): Uncertain significance (0 of 4 stars; one submission).

Conditions:
ATP10A-related disorder. Also called: ATP10A-related condition.

Submission:

PreventionGenetics, part of Exact Sciences
Classification: Uncertain significance for ATP10A-related condition. Last evaluated: 2024-03-26. Review status: no assertion criteria provided. Collection method: clinical testing. Allele origin: germline.
Comment: The ATP10A c.384G>T variant is predicted to result in the amino acid substitution p.Trp128Cys. To our knowledge, this variant has not been reported in the literature or in a large population database, indicating this variant is rare. At this time, the clinical significance of this variant is uncertain due to the absence of conclusive functional and genetic evidence.

NM_024490.4(ATP10A):c.384G>T (p.Trp128Cys)

Gene: ATP10A (ATPase phospholipid transporting 10A (putative); minus strand). Cytogenetic location: 15q12.
Variant type: single nucleotide variant.
Coding change: c.384G>T on transcript NM_024490.4 (MANE Select); coding-DNA position 384, G replaced by T.
Protein change: p.Trp128Cys; replaces tryptophan 128 with cysteine.
Molecular consequence: missense variant.
Genome position (GRCh38, 1-based): chr15:25,862,713, C>A on the plus strand (G>T on the coding strand, the complement: ATP10A is on the minus strand). VCF-style: chr15-25862713-C-A. GRCh37 (hg19) VCF-style: chr15-26107860-C-A.
Other names: short protein forms W128C.
Identifiers: ClinVar variation 3349675 (VCV003349675.1).
Genomic context (GRCh38, chr15:25,862,713, plus strand): 5'-GAAGACCAGGCAGCCCAGGTGGTTGATCTTGTGGTCGGAGCGGTGGCGGCTGTAGTCCTC[C>A]CACAGGTCCCTGAAGGCCGTGATGGCCAGGATGAAGAGCACCGGCGCCAGTGCCAGGCCG-3'
Protein context (NP_077816.1, residues 118-138): ILAITAFRDL[Trp128Cys]EDYSRHRSDH